The following is an entry in ClinVar:

NM_001165963.4(SCN1A):c.4547C>T (p.Ser1516Leu)

Genes: SCN1A (sodium voltage-gated channel alpha subunit 1; minus strand), LOC102724058 (uncharacterized LOC102724058; plus strand). Cytogenetic location: 2q24.3.
Variant type: single nucleotide variant.
Coding change: c.4547C>T on transcript NM_001165963.4 (MANE Select); coding-DNA position 4547, C replaced by T.
Protein change: p.Ser1516Leu; replaces serine 1516 with leucine.
Molecular consequence: missense variant. On other transcripts: non-coding transcript variant (1).
Genome position (GRCh38, 1-based): chr2:165,996,047, G>A on the plus strand (C>T on the coding strand, the complement: SCN1A is on the minus strand). VCF-style: chr2-165996047-G-A. GRCh37 (hg19) VCF-style: chr2-166852557-G-A.
Other names: p.Ser1516Leu; c.4463C>T, p.Ser1488Leu (NM_001165964.3, NM_001353957.2, NM_001353958.2); c.4547C>T, p.Ser1516Leu (NM_001202435.3, NM_001353948.2); c.4514C>T, p.Ser1505Leu (NM_001353949.2, NM_001353950.2, NM_001353951.2 and 2 more transcripts); c.4511C>T, p.Ser1504Leu (NM_001353954.2, NM_001353955.2); c.4460C>T, p.Ser1487Leu (NM_001353960.2); c.2105C>T, p.Ser702Leu (NM_001353961.2); c.4547C>T (NM_001165963.3); short protein forms S1505L, S1488L, S1516L, S702L, S1487L, S1504L.
Identifiers: ClinVar variation 69406 (VCV000069406.25), dbSNP rs139300715, ClinGen allele CA357173.
Genomic context (GRCh38, chr2:165,996,047, plus strand): 5'-CCCCCATATCATTTGATACTTCTTACTCCTGGTCGAGGTATAGGCTTTTGCGGTTTTTTC[G>A]ATCCTAATTTTTTCATTGCATTATAGTATTTCTTCTGTTCTTCTGTCATAAAGATGTCTT-3'
Protein context (NP_001159435.1, residues 1506-1526): KYYNAMKKLG[Ser1516Leu]KKPQKPIPRP

ClinVar aggregate classification (germline): Conflicting classifications of pathogenicity. Review status: criteria provided, conflicting classifications (1 of 4 stars). 7 submissions from 7 submitters: Uncertain significance (6); Likely benign (1). Last evaluated 2026-03-01.

Conditions:
Early-infantile DEE. Also called: Ohtahara syndrome; Early infantile epileptic encephalopathy with suppression bursts; Early infantile epileptic encephalopathy. Identifiers: Orphanet 1934, MedGen C0393706, MONDO:0800491.
SCN1A-related disorder. Also called: SCN1A-related disorders; SCN1A-related conditions; SCN1A-related condition.
Severe myoclonic epilepsy in infancy (DRVT). Also called: DEVELOPMENTAL AND EPILEPTIC ENCEPHALOPATHY 6A; Severe Myoclonic Epilepsy in Infancy (SMEI); Epileptic encephalopathy, early infantile, 6 (Dravet syndrome); SEVERE MYOCLONIC EPILEPSY OF INFANCY; Dravet syndrome. Identifiers: Orphanet 33069, MedGen C0751122, MONDO:0100135, OMIM 607208.

Allele frequency attached by ClinVar (database versions not stated): gnomAD exomes 0.00001 and 0.00002; ExAC 0.00002; gnomAD 0.00002 and 0.00003; TOPMed 0.00002.
gnomAD v4.1: 23 of 1,608,592 alleles (0.0014%); highest among the groups gnomAD compares: South Asian, 0.0077%; no homozygotes.

Submissions (7):

CeGaT Center for Human Genetics Tuebingen
Classification: Uncertain significance. Last evaluated: 2026-03-01. Review status: criteria provided, single submitter. Criteria: CeGaT Center For Human Genetics Tuebingen Variant Classification Criteria Version 2. Collection method: clinical testing. Allele origin: germline. Affected: yes. Observed: 1 variant allele.
Comment: SCN1A: PP3

Labcorp Genetics (formerly Invitae), Labcorp
Classification: Likely benign for Early-infantile DEE. Last evaluated: 2025-10-01. Review status: criteria provided, single submitter. Criteria: Invitae Variant Classification Sherloc (09022015). Collection method: clinical testing. Allele origin: germline.

GeneDx
Classification: Uncertain significance. Last evaluated: 2025-09-18. Review status: criteria provided, single submitter. Criteria: GeneDx Variant Classification Process June 2021. Collection method: clinical testing. Allele origin: germline. Affected: yes.
Comment: Observed in an individual with developmental delay or intellectual disability; however segregation and detailed clinical information was not provided (PMID: 29652076); In silico analysis supports that this missense variant has a deleterious effect on protein structure/function; This substitution is predicted to be in the cytoplasmic loop between the third and fourth homologous domains; This variant is associated with the following publications: (PMID: 29655203, 29652076)

PreventionGenetics, part of Exact Sciences
Classification: Uncertain significance for SCN1A-related condition. Last evaluated: 2025-03-08. Review status: criteria provided, single submitter. Criteria: ACMG Guidelines, 2015. Collection method: clinical testing. Allele origin: germline.
Comment: The SCN1A c.4547C>T variant is predicted to result in the amino acid substitution p.Ser1516Leu. This variant was reported in an individual with epilepsy and/or neurodevelopmental disorders (Table S4, Lindy et al. 2018. PubMed ID: 29655203). This variant is reported in 0.013% of alleles in individuals of South Asian descent in gnomAD, which is more common than expected for a primary cause of disease. At this time, the clinical significance of this variant is uncertain due to the absence of conclusive functional and genetic evidence.

Revvity Omics, Revvity
Classification: Uncertain significance. Last evaluated: 2024-03-06. Review status: criteria provided, single submitter. Criteria: ACMG Guidelines, 2015. Collection method: clinical testing. Allele origin: germline.

Mayo Clinic Laboratories, Mayo Clinic
Classification: Uncertain significance. Last evaluated: 2022-03-17. Review status: criteria provided, single submitter. Criteria: ACMG Guidelines, 2015. Collection method: clinical testing. Allele origin: germline. Observed: 1 variant allele.
Comment: PP3

HudsonAlpha Institute for Biotechnology
Classification: Uncertain significance for Severe myoclonic epilepsy in infancy. Last evaluated: 2021-09-01. Review status: criteria provided, single submitter. Criteria: HA_assertions_20161101. Collection method: research. Allele origin: maternal. Inheritance: Autosomal dominant inheritance. Affected: no. Observed: 1 variant allele. Study: CSER-HudsonAlpha.

Literature cited by the submitters: PubMed 29655203 (cited by Mayo Clinic Laboratories, Mayo Clinic).